The following is an entry in ClinVar:

ClinVar aggregate classification (germline): Pathogenic (1 of 4 stars; one submission).

Conditions:
Inborn genetic diseases. Identifiers: MedGen C0950123, MeSH D030342.

gnomAD v4.1: 1 of 1,611,792 alleles (0.000062%); highest among the groups gnomAD compares: Non-Finnish European, 0.000085%; no homozygotes.

Submission:

Ambry Genetics
Classification: Pathogenic for Inborn genetic diseases. Last evaluated: 2025-11-14. Review status: criteria provided, single submitter. Criteria: Ambry Variant Classification Scheme 2023. Collection method: clinical testing. Allele origin: germline.
Comment: The c.3409C>T (p.R1137*) alteration, located in exon 20 (coding exon 20) of the CHD3 gene, consists of a C to T substitution at nucleotide position 3409. This changes the amino acid from an arginine (R) to a stop codon at amino acid position 1137. This alteration is expected to result in loss of function by premature protein truncation or nonsense-mediated mRNA decay. The Genome Aggregation Database (gnomAD) data for this variant is unreliable due to technical and/or biological issues; therefore, population frequency estimates were not considered. Based on the available evidence, this alteration is classified as pathogenic.

NM_001005273.3(CHD3):c.3232C>T (p.Arg1078Ter)

Gene: CHD3 (chromodomain helicase DNA binding protein 3; plus strand). Cytogenetic location: 17p13.1.
Variant type: single nucleotide variant.
Coding change: c.3232C>T on transcript NM_001005273.3 (MANE Select); coding-DNA position 3232, C replaced by T.
Protein change: p.Arg1078Ter; replaces arginine 1078 with a stop codon.
Molecular consequence: nonsense.
Genome position (GRCh38, 1-based): chr17:7,901,355, C>T. VCF-style: chr17-7901355-C-T. GRCh37 (hg19) VCF-style: chr17-7804673-C-T.
Other names: c.3397C>T, p.Arg1133Ter (NM_001437509.1, NM_001437507.1, NM_001437508.1); c.3232C>T, p.Arg1078Ter (NM_005852.4); c.3409C>T, p.Arg1137Ter (NM_001005271.3, NM_001437504.1); short protein forms R1078*, R1137*, R1133*.
Identifiers: ClinVar variation 4614551 (VCV004614551.1).
Genomic context (GRCh38, chr17:7,901,355, plus strand): 5'-TCGTCTGGGAAGCTCATGCTGCTCCAGAAGATGCTGCGAAAGCTGAAGGAGCAAGGACAC[C>T]GAGTGCTCATCTTCTCGCAGGTGACCTGTGCCCTTAGCTGTCTTTACATCTGCTTCCTCT-3'